The following is an entry in ClinVar:

ClinVar aggregate classification (germline): Conflicting classifications of pathogenicity. Review status: criteria provided, conflicting classifications (1 of 4 stars). 2 submissions from 2 submitters: Likely pathogenic (1); Uncertain significance (1). Last evaluated 2021-08-01.

Conditions:
Autosomal recessive limb-girdle muscular dystrophy type 2B (LGMDR2). Also called: MUSCULAR DYSTROPHY, LIMB-GIRDLE, TYPE 3; Limb-Girdle Muscular Dystrophy Type 2B (LGMD2B); MUSCULAR DYSTROPHY, LIMB-GIRDLE, AUTOSOMAL RECESSIVE 2; Limb-girdle muscular dystrophy, type 2B. Identifiers: Orphanet 268, MedGen C1850889, MONDO:0009676, OMIM 253601.

Submissions (2):

CeGaT Center for Human Genetics Tuebingen
Classification: Likely pathogenic. Last evaluated: 2021-08-01. Review status: criteria provided, single submitter. Criteria: CeGaT Center For Human Genetics Tuebingen Variant Classification Criteria Version 2. Collection method: clinical testing. Allele origin: germline. Affected: yes. Observed: 1 variant allele.

Broad Center for Mendelian Genomics, Broad Institute of MIT and Harvard
Classification: Uncertain significance for Autosomal recessive limb-girdle muscular dystrophy type 2B. Last evaluated: 2018-12-03. Review status: criteria provided, single submitter. Criteria: ACMG Guidelines, 2015. Collection method: research. Allele origin: germline. Inheritance: Autosomal recessive inheritance. Affected: yes.
Comment: The heterozygous c.951+3_951+4delAT variant in DYSF was identified by our study in the compound heterozygous state, with a VUS, in two siblings with limb-girdle muscular dystrophy (LGMD). This variant was absent from large population studies. This variant is located in the 5â€™ splice region. Computational tools do suggest an impact to splicing (destruction of a natural splice site and creation of an in-frame cryptic splice site) and another variant predicted to impact the same splicing site was reported pathogenic in ClinVar (Variation ID: 283267). However, this information is not predictive enough to determine pathogenicity. Loss of function of the DYSF gene is an established disease mechanism for autosomal recessive LGMD. In summary, while there is some suspicion for a pathogenic role, the clinical significance of this variant is uncertain. ACMG/AMP Criteria applied: PM2, PVS1_Moderate, PP1 (Richards 2015).

NM_001130987.2(DYSF):c.951+3_951+4del

Gene: DYSF (dysferlin; plus strand). Cytogenetic location: 2p13.2.
Variant type: Deletion.
Coding change: c.951+3_951+4del on transcript NM_001130987.2 (MANE Select); bases 3 to 4 of the intron after coding-DNA position 951, 2 bases deleted (AT; older notation c.951+3_951+4delAT).
Molecular consequence: splice donor variant.
Genome position (GRCh38, 1-based): chr2:71,516,245-71,516,246, AT deleted; deleting any 2 consecutive bases within chr2:71,516,244-71,516,246 gives the same sequence; the c. name uses the placement nearest the transcript's 3' end. VCF-style (leftmost placement, unchanged base first): chr2-71516243-GTA-G. GRCh37 (hg19) VCF-style: chr2-71743373-GTA-G.
Other names: c.948+3_948+4del (NM_001130979.2, NM_001130981.2, NM_001130980.2); c.855+3_855+4del (NM_001130978.2, NM_003494.4, NM_001130977.2 and 1 more transcripts); c.951+3_951+4del (NM_001130982.2, NM_001130985.2); c.858+3_858+4del (NM_001130983.2, NM_001130455.2, NM_001130984.2 and 1 more transcripts).
Identifiers: ClinVar variation 814017 (VCV000814017.36), dbSNP rs1573663867, ClinGen allele CA658820678.